The following is an entry in ClinVar:

NM_022893.4(BCL11A):c.1946T>A (p.Met649Lys)

Gene: BCL11A (BCL11 transcription factor A; minus strand). Cytogenetic location: 2p16.1.
Variant type: single nucleotide variant.
Coding change: c.1946T>A on transcript NM_022893.4 (MANE Select); coding-DNA position 1946, T replaced by A.
Protein change: p.Met649Lys; replaces methionine 649 with lysine.
Molecular consequence: missense variant. On other transcripts: intron variant (6).
Genome position (GRCh38, 1-based): chr2:60,460,966, A>T on the plus strand (T>A on the coding strand, the complement: BCL11A is on the minus strand). VCF-style: chr2-60460966-A-T. GRCh37 (hg19) VCF-style: chr2-60688101-A-T.
Other names: c.1844T>A, p.Met615Lys (NM_001363864.1, NM_001365609.1, NM_001405711.1 and 2 more transcripts); c.1946T>A, p.Met649Lys (NM_001405708.1, NM_001405709.1, NM_001405710.1 and 1 more transcripts); c.1688T>A, p.Met563Lys (NM_001405717.1, NM_001405718.1, NM_001405724.1); c.1613T>A, p.Met538Lys (NM_001405720.1, NM_001405721.1); c.1790T>A, p.Met597Lys (NM_001405722.1, NM_001405723.1, NM_001405713.1 and 3 more transcripts); c.1490T>A, p.Met497Lys (NM_001405725.1, NM_001405726.1, NM_001405727.1 and 1 more transcripts); c.1253T>A, p.Met418Lys (NM_001405729.1); c.1409T>A, p.Met470Lys (NM_001405730.1); and 5 more; short protein forms M318K, M418K, M470K, M497K, M538K, M563K, M597K, M615K.
Identifiers: ClinVar variation 4686910 (VCV004686910.1).
Genomic context (GRCh38, chr2:60,460,966, plus strand): 5'-AGCTGCCTGGAGGCCGCGTAGCCGGCGAGCCACTGCGAGTACACGTTCTCCGTGTTGGGC[A>T]TCGCGGCCGGGGGCAGGTCGAACTCCTTCTCGAGCTTGATGCGCTTAGAGAAGGGGCTCA-3'
Protein context (NP_075044.2, residues 639-659): EKEFDLPPAA[Met649Lys]PNTENVYSQW

ClinVar aggregate classification (germline): Uncertain significance (1 of 4 stars; one submission).

gnomAD v4.1: 5 of 1,611,234 alleles (0.00031%); highest among the groups gnomAD compares: Non-Finnish European, 0.00042%; no homozygotes.

Submission:

GeneDx
Classification: Uncertain significance. Last evaluated: 2025-07-25. Review status: criteria provided, single submitter. Criteria: GeneDx Variant Classification Process June 2021. Collection method: clinical testing. Allele origin: germline. Affected: yes.
Comment: Not observed at significant frequency in large population cohorts (gnomAD); In silico analysis suggests that this missense variant does not alter protein structure/function; Has not been previously published as pathogenic or benign to our knowledge